The following is an entry in ClinVar:

ClinVar aggregate classification (germline): Likely benign (1 of 4 stars; one submission).

Submission:

CeGaT Center for Human Genetics Tuebingen
Classification: Likely benign. Last evaluated: 2025-12-01. Review status: criteria provided, single submitter. Criteria: CeGaT Center For Human Genetics Tuebingen Variant Classification Criteria Version 2. Collection method: clinical testing. Allele origin: germline. Affected: yes. Observed: 1 variant allele.
Comment: ZNF142: PM2:Supporting, BP4, BP7

NM_001379659.1(ZNF142):c.1491A>C (p.Ala497=)

Gene: ZNF142 (zinc finger protein 142; minus strand). Cytogenetic location: 2q35.
Variant type: single nucleotide variant.
Coding change: c.1491A>C on transcript NM_001379659.1 (MANE Select); coding-DNA position 1491, A replaced by C.
Protein change: p.Ala497=; no amino-acid change (alanine 497 retained).
Molecular consequence: synonymous variant.
Genome position (GRCh38, 1-based): chr2:218,649,017, T>G on the plus strand (A>C on the coding strand, the complement: ZNF142 is on the minus strand). VCF-style: chr2-218649017-T-G. GRCh37 (hg19) VCF-style: chr2-219513740-T-G.
Other names: c.891A>C, p.Ala297= (NM_001105537.5, NM_001366291.3, NM_001379662.1); c.402A>C, p.Ala134= (NM_001366287.3, NM_001366288.3, NM_001366289.3); c.1491A>C, p.Ala497= (NM_001366290.3, NM_001379660.1, NM_001379661.1).
Identifiers: ClinVar variation 4681630 (VCV004681630.5).